The following is an entry in ClinVar:

NM_001042492.3(NF1):c.288G>A (p.Gly96=)

Gene: NF1 (neurofibromin 1; plus strand). Cytogenetic location: 17q11.2.
Variant type: single nucleotide variant.
Coding change: c.288G>A on transcript NM_001042492.3 (MANE Select); coding-DNA position 288, G replaced by A.
Protein change: p.Gly96=; no amino-acid change (glycine 96 retained).
Molecular consequence: synonymous variant.
Genome position (GRCh38, 1-based): chr17:31,159,093, G>A. VCF-style: chr17-31159093-G-A. GRCh37 (hg19) VCF-style: chr17-29486111-G-A.
Other names: c.288G>A, p.Gly96= (NM_000267.4, NM_001128147.3).
Identifiers: ClinVar variation 821948 (VCV000821948.11), dbSNP rs1430988476, ClinGen allele CA499232896.
Genomic context (GRCh38, chr17:31,159,093, plus strand): 5'-AAAAAATTTATATCTCTCTCAGTTGATTATATTGGATACACTGGAAAAATGTCTTGCTGG[G>A]GTAAGTAAATTGATCTTAAGTAGGCAGGCTTTGTGAATTTGATCTTGAGAATGATCTTAT-3'
Protein context (NP_001035957.1, residues 86-106): ILDTLEKCLA[Gly96=]QPKDTMRLDE

ClinVar aggregate classification (germline): Conflicting classifications of pathogenicity. Review status: criteria provided, conflicting classifications (1 of 4 stars). 3 submissions from 3 submitters: Likely pathogenic (2); Uncertain significance (1). Last evaluated 2023-08-02.

Conditions:
Neurofibromatosis, type 1 (NF1). Also called: Peripheral type neurofibromatosis; Neurofibromatosis, type I; NEUROFIBROMATOSIS, TYPE I, SOMATIC; VON RECKLINGHAUSEN DISEASE. Identifiers: Orphanet 636, MedGen C0027831, MONDO:0018975, OMIM 162200. Disease mechanism: loss of function.
Hereditary cancer-predisposing syndrome. Also called: Hereditary Cancer Syndrome; Neoplastic Syndromes, Hereditary; Hereditary neoplastic syndrome; Tumor predisposition. Identifiers: Orphanet 140162, MedGen C0027672, MeSH D009386, MONDO:0015356.
Cardiovascular phenotype. Identifiers: MedGen CN230736.

Submissions (4):

GeneDx
Classification: Likely pathogenic. Last evaluated: 2023-08-02. Review status: criteria provided, single submitter. Criteria: GeneDx Variant Classification Process June 2021. Collection method: clinical testing. Allele origin: germline. Affected: yes.
Comment: Not observed at significant frequency in large population cohorts (gnomAD); In silico analysis is inconclusive as to whether the variant alters gene splicing. In the absence of RNA/functional studies, the actual effect of this sequence change is unknown.; Has not been previously published as pathogenic or benign to our knowledge

Labcorp Genetics (formerly Invitae), Labcorp
Classification: Likely pathogenic for Neurofibromatosis, type 1. Last evaluated: 2022-09-29. Review status: criteria provided, single submitter. Criteria: Invitae Variant Classification Sherloc (09022015). Collection method: clinical testing. Allele origin: germline.
Comment: In summary, the currently available evidence indicates that the variant is pathogenic, but additional data are needed to prove that conclusively. Therefore, this variant has been classified as Likely Pathogenic. This variant disrupts the c.288G nucleotide in the NF1 gene. Other variant(s) that disrupt this nucleotide have been determined to be pathogenic (PMID: 16944272; Invitae; External communication). This suggests that this nucleotide is clinically significant, and that variants that disrupt this position are likely to be disease-causing. Variants that disrupt the consensus splice site are a relatively common cause of aberrant splicing (PMID: 17576681, 9536098). Algorithms developed to predict the effect of sequence changes on RNA splicing suggest that this variant may disrupt the consensus splice site. ClinVar contains an entry for this variant (Variation ID: 821948). This variant has been observed in individual(s) with clinical features of neurofibromatosis, type 1 (Invitae). This variant is not present in population databases (gnomAD no frequency). This sequence change affects codon 96 of the NF1 mRNA. It is a 'silent' change, meaning that it does not change the encoded amino acid sequence of the NF1 protein. This variant also falls at the last nucleotide of exon 3, which is part of the consensus splice site for this exon.

Ambry Genetics
Classification: Uncertain significance for Cardiovascular phenotype; Hereditary cancer-predisposing syndrome. Last evaluated: 2018-03-01. Review status: criteria provided, single submitter. Criteria: Ambry Variant Classification Scheme 2023. Collection method: clinical testing. Allele origin: germline.
Comment: The c.288G>A variant (also known as p.G96G), located in coding exon 3 of the NF1 gene, results from a G to A substitution at nucleotide position 288. This nucleotide substitution does not change the amino acid at codon 96. However, this change occurs in the last base pair of coding exon 3, which makes it likely to have some effect on normal mRNA splicing. This alteration has been reported in a patient who met NIH Criteria for Neurofibromatosis type 1 (NF1) (Griffiths S et al. Fam. Cancer, 2007;6:21-34). This nucleotide position is well conserved in available vertebrate species. Using two different splice site prediction tools, this alteration is predicted by ESEfinder to weaken the efficiency of the native splice donor site, but is only predicted to have a slight weakening of the native splice donor site by BDGP; however, direct evidence is unavailable. Since supporting evidence is limited at this time, the clinical significance of this alteration remains unclear.

Dr. Peter K. Rogan Lab, Western University
No classification provided (evidence only). Condition: Melanoma. Review status: no classification provided. Collection method: in vitro. Allele origin: not applicable. Functional consequence: skipped exon. Not counted in ClinVar's aggregate classification.

Literature cited by the submitters: PubMed 16944272 (cited by Labcorp Genetics (formerly Invitae), Labcorp); PubMed 17576681 (cited by Labcorp Genetics (formerly Invitae), Labcorp); PubMed 9536098 (cited by Labcorp Genetics (formerly Invitae), Labcorp).